The following is an entry in ClinVar:

NC_000005.10:g.(?_112766316)_(112844136_?)dup

Gene: APC (APC regulator of Wnt signaling pathway; plus strand). Cytogenetic location: 5q22.2.
Variant type: Duplication.
Identifiers: ClinVar variation 831727 (VCV000831727.1).

ClinVar aggregate classification (germline): Uncertain significance (1 of 4 stars; one submission).

Conditions:
Familial adenomatous polyposis 1 (FAP1). Also called: POLYPOSIS, ADENOMATOUS INTESTINAL; FAMILIAL ADENOMATOUS POLYPOSIS 1, ATTENUATED. Identifiers: MedGen C2713442, MONDO:0021056, OMIM 175100. Disease mechanism: loss of function.

Submission:

Labcorp Genetics (formerly Invitae), Labcorp
Classification: Uncertain significance for Familial adenomatous polyposis 1. Last evaluated: 2019-02-08. Review status: criteria provided, single submitter. Criteria: Invitae Variant Classification Sherloc (09022015). Collection method: clinical testing. Allele origin: germline.
Comment: This variant results in a copy number gain of the genomic region encompassing exons 3-16 of the APC gene. The 5' boundary is likely confined to intron 2. The 3' end of this event is unknown as it extends beyond the assayed region for this gene and therefore may encompass additional genes. As the precise location of this event is unknown, it may be in tandem or it may be located elsewhere in the genome. This duplication has not been reported in the literature in individuals with APC-related conditions. Experimental studies and prediction algorithms are not available for this variant, and the functional significance of the affected exons is currently unknown. In summary, the available evidence is currently insufficient to determine the role of this variant in disease. Therefore, it has been classified as a Variant of Uncertain Significance.